The following is an entry in ClinVar:

ClinVar aggregate classification (germline): Uncertain significance. Review status: criteria provided, multiple submitters, no conflicts (2 of 4 stars). 2 submissions from 2 submitters: Uncertain significance (2). Last evaluated 2024-05-16.

Conditions:
Glomerulopathy with fibronectin deposits 2 (GFND2). Identifiers: Orphanet 84090, MedGen C1866075, MONDO:0011165, OMIM 601894.
Spondylometaphyseal dysplasia - Sutcliffe type. Also called: Spondylometaphyseal Dysplasia, Corner Fracture Type; Spondylometaphyseal dysplasia, 'corner fracture' type; Sutcliffe type of spondylometaphyseal dysplasia; Sutcliffe SMD. Identifiers: Orphanet 93315, MedGen C0432221, MONDO:0008479, OMIM 184255.
FN1-related disorder. Also called: FN1-related condition.

Allele frequency attached by ClinVar (database versions not stated): gnomAD exomes below 0.00001; TOPMed below 0.00001; gnomAD 0.00002.
gnomAD v4.1: 8 of 1,613,608 alleles (0.0005%); highest among the groups gnomAD compares: African/African-American, 0.0013%; no homozygotes.

Submissions (2):

Fulgent Genetics
Classification: Uncertain significance for Spondylometaphyseal dysplasia - Sutcliffe type; Glomerulopathy with fibronectin deposits 2. Last evaluated: 2024-05-16. Review status: criteria provided, single submitter. Criteria: ACMG Guidelines, 2015. Collection method: clinical testing. Allele origin: germline.

PreventionGenetics, part of Exact Sciences
Classification: Uncertain significance for FN1-related condition. Last evaluated: 2023-09-11. Review status: criteria provided, single submitter. Criteria: ACMG Guidelines, 2015. Collection method: clinical testing. Allele origin: germline.
Comment: The FN1 c.3517+1G>A variant is predicted to disrupt the GT donor site and interfere with normal splicing. To our knowledge, this variant has not been reported in the literature. This variant is reported in 0.0065% of alleles in individuals of European (Non-Finnish) descent in gnomAD. Loss of function has not been well established as a mechanism of FN1-related disease (Human Gene Mutation Database). Although we suspect that this variant may be pathogenic, at this time, the clinical significance of this variant is uncertain due to the absence of conclusive functional and genetic evidence.

NM_212482.4(FN1):c.3517+1G>A

Gene: FN1 (fibronectin 1; minus strand). Cytogenetic location: 2q35.
Variant type: single nucleotide variant.
Coding change: c.3517+1G>A on transcript NM_212482.4 (MANE Select); the canonical splice donor site of the intron after coding-DNA position 3517, G replaced by A.
Molecular consequence: splice donor variant.
Genome position (GRCh38, 1-based): chr2:215,397,679, C>T on the plus strand (G>A on the coding strand, the complement: FN1 is on the minus strand). VCF-style: chr2-215397679-C-T. GRCh37 (hg19) VCF-style: chr2-216262402-C-T.
Other names: c.3517+1G>A (NM_001306131.2, NM_212476.3, NM_001365524.2 and 13 more transcripts).
Identifiers: ClinVar variation 2631872 (VCV002631872.2), dbSNP rs925967935, ClinGen allele CA64867267.